The following is an entry in ClinVar:

NM_004281.4(BAG3):c.98A>T (p.Gln33Leu)

Gene: BAG3 (BAG cochaperone 3; plus strand). Cytogenetic location: 10q26.11.
Variant type: single nucleotide variant.
Coding change: c.98A>T on transcript NM_004281.4 (MANE Select); coding-DNA position 98, A replaced by T.
Protein change: p.Gln33Leu; replaces glutamine 33 with leucine.
Molecular consequence: missense variant.
Genome position (GRCh38, 1-based): chr10:119,651,773, A>T. VCF-style: chr10-119651773-A-T. GRCh37 (hg19) VCF-style: chr10-121411285-A-T.
Other names: short protein forms Q33L.
Identifiers: ClinVar variation 4791089 (VCV004791089.1).
Genomic context (GRCh38, chr10:119,651,773, plus strand): 5'-CGTCCGGCAACGGTGACCGCGACCCTTTGCCCCCCGGATGGGAGATCAAGATCGACCCGC[A>T]GACCGGCTGGCCCTTCTTCGTGGACCACAACAGCCGCACCACTACGTGGAACGACCCGCG-3'
Protein context (NP_004272.2, residues 23-43): PPGWEIKIDP[Gln33Leu]TGWPFFVDHN

ClinVar aggregate classification (germline): Uncertain significance (1 of 4 stars; one submission).

Conditions:
Dilated cardiomyopathy 1HH (CMD1HH). Identifiers: Orphanet 154, MedGen C3151293, MONDO:0013479, OMIM 613881.
Myofibrillar myopathy 6. Identifiers: Orphanet 199340, MedGen C2751831, MONDO:0013061, OMIM 612954.

Submission:

Labcorp Genetics (formerly Invitae), Labcorp
Classification: Uncertain significance for Dilated cardiomyopathy 1HH; Myofibrillar myopathy 6. Last evaluated: 2025-02-11. Review status: criteria provided, single submitter. Criteria: Invitae Variant Classification Sherloc (09022015). Collection method: clinical testing. Allele origin: germline.
Comment: This sequence change replaces glutamine, which is neutral and polar, with leucine, which is neutral and non-polar, at codon 33 of the BAG3 protein (p.Gln33Leu). This variant is not present in population databases (gnomAD no frequency). This variant has not been reported in the literature in individuals affected with BAG3-related conditions. An algorithm developed to predict the effect of missense changes on protein structure and function (PolyPhen-2) suggests that this variant is likely to be disruptive. In summary, the available evidence is currently insufficient to determine the role of this variant in disease. Therefore, it has been classified as a Variant of Uncertain Significance.